The following is an entry in ClinVar:

ClinVar aggregate classification (germline): Benign. Review status: criteria provided, multiple submitters, no conflicts (2 of 4 stars). 3 submissions from 3 submitters: Benign (2). 1 of the submissions does not count toward it. Last evaluated 2021-03-15.

Conditions:
NLRP2-related disorder. Also called: NLRP2-related condition.

Allele frequency attached by ClinVar (database versions not stated): ESP Exome Variant Server 0.07174; gnomAD 0.09127 and 0.09486; TOPMed 0.09662; 1000 Genomes Project 30x 0.15787; 1000 Genomes Project 0.16334.
gnomAD v4.1: 105,475 of 1,613,880 alleles (6.5%); highest among the groups gnomAD compares: East Asian, 22%; 5,781 homozygotes.

Submissions (3):

GeneDx
Classification: Benign. Last evaluated: 2021-03-15. Review status: criteria provided, single submitter. Criteria: GeneDx Variant Classification Process June 2021. Collection method: clinical testing. Allele origin: germline. Affected: yes.

Breakthrough Genomics
Classification: Benign. Review status: criteria provided, single submitter. Criteria: ACMG Guidelines, 2015. Collection method: not provided. Allele origin: germline. Inheritance: Unknown mechanism. Affected: yes.

PreventionGenetics, part of Exact Sciences
Classification: Likely benign for NLRP2-related condition. Last evaluated: 2024-01-05. Review status: no assertion criteria provided. Collection method: clinical testing. Allele origin: germline. Not counted in ClinVar's aggregate classification.
Comment: This variant is classified as likely benign based on ACMG/AMP sequence variant interpretation guidelines (Richards et al. 2015 PMID: 25741868, with internal and published modifications).

NM_017852.5(NLRP2):c.585C>T (p.Phe195=)

Gene: NLRP2 (NLR family pyrin domain containing 2; plus strand). Cytogenetic location: 19q13.42.
Variant type: single nucleotide variant.
Coding change: c.585C>T on transcript NM_017852.5 (MANE Select); coding-DNA position 585, C replaced by T.
Protein change: p.Phe195=; no amino-acid change (phenylalanine 195 retained).
Molecular consequence: synonymous variant. On other transcripts: non-coding transcript variant (1).
Genome position (GRCh38, 1-based): chr19:54,982,283, C>T. VCF-style: chr19-54982283-C-T. GRCh37 (hg19) VCF-style: chr19-55493651-C-T.
Other names: c.585C>T, p.Phe195= (NM_001174081.3); c.519C>T, p.Phe173= (NM_001174082.3); c.516C>T, p.Phe172= (NM_001174083.2); c.576C>T, p.Phe192= (NM_001348003.2); c.585C>T (NM_001174081.2).
Identifiers: ClinVar variation 1227031 (VCV001227031.6), dbSNP rs10403648, ClinGen allele CA310102699.
Genomic context (GRCh38, chr19:54,982,283, plus strand): 5'-GCCTGGAGATAGCAAAGAGGTCCAGGTTATGGCTGAGAGATACAAGATGCTGATCCCATT[C>T]AGCAACCCCAGGGTGCTTCCCGGGCCCTTCTCATACACGGTGGTGCTGTATGGTCCTGCA-3'
Protein context (NP_060322.1, residues 185-205): MAERYKMLIP[Phe195=]SNPRVLPGPF